The following continues an entry in ClinVar:

NM_000059.4(BRCA2):c.4478_4481del (p.Glu1493fs)

Gene: BRCA2. ClinVar aggregate classification (germline): Pathogenic. Pathogenic (1).

Submissions 26 to 40 of 40:

Laboratory for Molecular Medicine, Mass General Brigham Personalized Medicine
Classification: Pathogenic for Hereditary breast ovarian cancer syndrome. Last evaluated: 2019-10-14. Review status: criteria provided, single submitter. Criteria: ACMG Guidelines, 2015. Collection method: clinical testing. Allele origin: germline. Not counted in ClinVar's aggregate classification.
Comment: The p.Glu1493ValfsX10 variant in BRCA2 has been reported in >20 individuals with BRCA2-related cancers and segregated with disease in 12 individuals from one family (Tavtigian 1996, Kote-Jarai 2011, Zhang 2011, Maxwell 2016, Susswein 2016, Shi 2017, AlDubayan 2018, Dudley 2018, Mijuskovic 2018, BIC database). It has also been identified in 0.0035% (4/112994) European chromosomes by gnomAD; however, this frequency is low enough to be consistent with the frequency of hereditary breast and ovarian cancer (HBOC) in the general population. This variant is predicted to cause a frameshift, which alters the protein’s amino acid sequence beginning at position 1493 and leads to a premature termination codon 10 amino acids downstream. This alteration is then predicted to lead to a truncated or absent protein. Loss of function of the BRCA2 gene is an established disease mechanism in autosomal dominant HBOC. Additionally, this variant was classified as Pathogenic on Apr 22 2016 by the ClinGen-approved ENIGMA expert panel (Variation ID: 51653). In summary, this variant meets criteria to be classified as pathogenic for autosomal dominant HBOC. ACMG/AMP Criteria applied: PVS1, PS4, PP1_Strong, PM2.

St. Jude Molecular Pathology, St. Jude Children's Research Hospital
Classification: Pathogenic for Diffuse Intrinsic Pontine Glioma. Last evaluated: 2017-06-09. Review status: criteria provided, single submitter. Criteria: ACMG Guidelines, 2015. Collection method: clinical testing. Allele origin: germline. Affected: yes. Not counted in ClinVar's aggregate classification.
Comment: This is a frameshift alteration in which four nucleotides are deleted (coding nucleotides 4478 through 4481) and is predicted to change a Glutamic Acid to a Valine at amino acid codon 1493, shift the reading frame and result in a premature stop codon 10 amino acids downstream. Classification criteria: PVS1, PM2, PP1.

Department of Pathology and Molecular Medicine, Queen's University
Classification: Pathogenic for Hereditary breast ovarian cancer syndrome. Last evaluated: 2017-04-20. Review status: criteria provided, single submitter. Criteria: ACMG Guidelines, 2015. Collection method: clinical testing. Allele origin: germline. Study: The Canadian Open Genetics Repository (COGR). Not counted in ClinVar's aggregate classification.

Women's Health and Genetics/Laboratory Corporation of America, LabCorp
Classification: Pathogenic for Hereditary breast ovarian cancer syndrome. Last evaluated: 2016-05-04. Review status: criteria provided, single submitter. Criteria: LabCorp Variant Classification Summary - May 2015. Collection method: clinical testing. Allele origin: germline. Not counted in ClinVar's aggregate classification.
Comment: Variant summary: The BRCA2 variant, c.4478_4481delAAAG (p.Glu1493Valfs), causes a frameshift resulting in a premature stop codon, a known mechanism for disease, as these types of variants are predicted to cause transcript degradation through nonsense mediated decay or produce a truncated protein. The variant of interest was not observed in controls (ExAC, 1000 Gs, or ESP) and has been reported in multiple affected individuals via publications. In addition, multiple reputable clinical laboratories/databases cite the variant with a classification of "pathogenic." Therefore, the variant of interest is classified as Pathogenic.

Consortium of Investigators of Modifiers of BRCA1/2 (CIMBA), c/o University of Cambridge
Classification: Pathogenic for Breast-ovarian cancer, familial, susceptibility to, 2. Last evaluated: 2015-10-02. Review status: criteria provided, single submitter. Criteria: CIMBA Mutation Classification guidelines May 2016. Collection method: clinical testing. Allele origin: germline. Not counted in ClinVar's aggregate classification.

Molecular Endocrinology Laboratory, Christian Medical College
Classification: Pathogenic for Breast-ovarian cancer, familial, susceptibility to, 2. Review status: criteria provided, single submitter. Criteria: ACMG Guidelines, 2015. Collection method: clinical testing. Allele origin: germline. Affected: yes. Not counted in ClinVar's aggregate classification.

Laboratory for Genotyping Development, RIKEN
Classification: Pathogenic for Gastric cancer. Last evaluated: 2021-07-01. Review status: no assertion criteria provided. Collection method: research. Allele origin: germline. Not counted in ClinVar's aggregate classification.

BRCAlab, Lund University
Classification: Pathogenic for Breast-ovarian cancer, familial, susceptibility to, 2. Last evaluated: 2020-03-02. Review status: no assertion criteria provided. Collection method: clinical testing. Allele origin: germline. Affected: yes. Not counted in ClinVar's aggregate classification.

Counsyl
Classification: Likely pathogenic for Breast-ovarian cancer, familial 2. Last evaluated: 2014-09-04. Review status: no assertion criteria provided. Collection method: literature only. Allele origin: unknown. Inheritance: Autosomal dominant inheritance. Not counted in ClinVar's aggregate classification.

Research Molecular Genetics Laboratory, Women's College Hospital, University of Toronto
Classification: Pathogenic for Hereditary breast ovarian cancer syndrome. Last evaluated: 2014-01-31. Review status: no assertion criteria provided. Collection method: research. Allele origin: germline. Affected: yes. Study: The Canadian Open Genetics Repository (COGR). Not counted in ClinVar's aggregate classification.

Sharing Clinical Reports Project (SCRP)
Classification: Pathogenic for Breast-ovarian cancer, familial 2. Last evaluated: 2013-02-20. Review status: no assertion criteria provided. Collection method: clinical testing. Allele origin: germline. Not counted in ClinVar's aggregate classification.

Breast Cancer Information Core (BIC) (BRCA2)
Classification: Pathogenic for Breast-ovarian cancer, familial 2. Last evaluated: 2002-05-29. Review status: no assertion criteria provided. Collection method: clinical testing. Allele origin: germline, unknown. Affected: yes. Observed: 34 variant alleles. Not counted in ClinVar's aggregate classification.

Clinical Genetics Laboratory, Department of Pathology, Netherlands Cancer Institute
Classification: Pathogenic. Review status: no assertion criteria provided. Collection method: clinical testing. Allele origin: germline. Affected: yes. Study: VKGL Data-share Consensus. Not counted in ClinVar's aggregate classification.

Department of Pathology and Laboratory Medicine, Sinai Health System
Classification: Pathogenic for Malignant tumor of breast. Review status: no assertion criteria provided. Collection method: clinical testing. Allele origin: unknown. Affected: yes. Study: The Canadian Open Genetics Repository (COGR). Not counted in ClinVar's aggregate classification.
Comment: The BRCA2 p.Glu1493Valfs*10 variant was identified in 12 of 17460 proband chromosomes (frequency: 0.0007) from individuals or families with prostate, breast or ovarian cancer (Beetstra 2006, Ding 2011, Fong 2010, Kim 2012, Kote-Jarai 2011, Lubinski 2004, Peto 1999, Risch 2001, Zhang 2011). The variant was also identified in dbSNP (ID: rs80359454) as "With Pathogenic allele", ClinVar (classified as pathogenic by Invitae, Ambry Genetics, GeneDx and twelve other submitters), LOVD 3.0 (19x as pathogenic ), and UMD-LSDB (1x as causal). The variant was not identified in the following control databases: the Exome Aggregation Consortium (August 8th 2016) or the Genome Aggregation Database (Feb 27, 2017). The variant was shown to have a partial response to platinum-based therapy according to the Response Evaluation Criteria in Solid Tumors and Gynecologic Cancer Intergroup Response criteria (Fong 2010). The c.4478_4481del variant is predicted to cause a frameshift, which alters the protein's amino acid sequence beginning at codon 1493 and leads to a premature stop codon at position 1502. This alteration is then predicted to result in a truncated or absent protein and loss of function. Loss of function variants of the BRCA2 gene are an established mechanism of disease in hereditary breast and ovarian cancer (HBOC) and is the type of variant expected to cause the disorder. In summary, based on the above information, this variant meets our laboratoryâ€šÃ„Ã´s criteria to be classified as pathogenic.

Diagnostic Laboratory, Department of Genetics, University Medical Center Groningen
Classification: Pathogenic. Review status: no assertion criteria provided. Collection method: clinical testing. Allele origin: germline. Affected: yes. Study: VKGL Data-share Consensus. Not counted in ClinVar's aggregate classification.

Literature cited by the submitters: PubMed 20104584 (cited by Labcorp Genetics (formerly Invitae), Labcorp); PubMed 8589730 (cited by 8 submitters); PubMed 11179017 (cited by 5 submitters); PubMed 15131399 (cited by 4 submitters); PubMed 20927582 (cited by 5 submitters); PubMed 21324516 (cited by 10 submitters); PubMed 21952622 (cited by 7 submitters); PubMed 22798144 (cited by 9 submitters); PubMed 33113089 (cited by Center for Genomic Medicine, Rigshospitalet, Copenhagen University Hospital and Ambry Genetics); PubMed 9667259 (cited by 3 submitters); PubMed 23884708 (cited by 5 submitters); PubMed 27153395 (cited by 3 submitters); PubMed 28176296 (cited by Ambry Genetics and Laboratory for Molecular Medicine, Mass General Brigham Personalized Medicine); PubMed 29360161 (cited by Ambry Genetics and Laboratory for Molecular Medicine, Mass General Brigham Personalized Medicine); PubMed 29915322 (cited by 3 submitters); PubMed 30322717 (cited by Ambry Genetics); PubMed 30702160 (cited by Ambry Genetics); PubMed 32338768 (cited by 3 submitters); PubMed 33471991 (cited by 4 submitters); PubMed 37310942 (cited by Quest Diagnostics Nichols Institute San Juan Capistrano); PubMed 36243179 (cited by Quest Diagnostics Nichols Institute San Juan Capistrano); PubMed 34301788 (cited by Quest Diagnostics Nichols Institute San Juan Capistrano); PubMed 34399810 (cited by Quest Diagnostics Nichols Institute San Juan Capistrano); PubMed 32885271 (cited by Quest Diagnostics Nichols Institute San Juan Capistrano); PubMed 35205313 (cited by Quest Diagnostics Nichols Institute San Juan Capistrano); PubMed 32073954 (cited by Quest Diagnostics Nichols Institute San Juan Capistrano); PubMed 33758026 (cited by 4 submitters); PubMed 26187060 (cited by Quest Diagnostics Nichols Institute San Juan Capistrano and Mayo Clinic Laboratories, Mayo Clinic); PubMed 11972384 (cited by 3 submitters); PubMed 20406929 (cited by 3 submitters); PubMed 20950396 (cited by Color Diagnostics, LLC DBA Color Health and All of Us Research Program, National Institutes of Health); PubMed 22711857 (cited by 3 submitters); PubMed 23165508 (cited by Color Diagnostics, LLC DBA Color Health and All of Us Research Program, National Institutes of Health); PubMed 23791828 (cited by Color Diagnostics, LLC DBA Color Health and All of Us Research Program, National Institutes of Health); PubMed 24728189 (cited by 3 submitters); PubMed 29907814 (cited by Institute for Genomic Medicine (IGM) Clinical Laboratory, Nationwide Children's Hospital); PubMed 30078507 (cited by Institute for Genomic Medicine (IGM) Clinical Laboratory, Nationwide Children's Hospital); PubMed 30606148 (cited by Institute for Genomic Medicine (IGM) Clinical Laboratory, Nationwide Children's Hospital); PubMed 31331294 (cited by Institute for Genomic Medicine (IGM) Clinical Laboratory, Nationwide Children's Hospital); PubMed 26681312 (cited by Laboratory for Molecular Medicine, Mass General Brigham Personalized Medicine); PubMed 29478780 (cited by Laboratory for Molecular Medicine, Mass General Brigham Personalized Medicine); PubMed 36988593 (cited by Laboratory for Genotyping Development, RIKEN); PubMed 18704680 (cited by Counsyl).